The following is an entry in ClinVar:

ClinVar aggregate classification (germline): Pathogenic (1 of 4 stars; one submission).

Submission:

Labcorp Genetics (formerly Invitae), Labcorp
Classification: Pathogenic. Last evaluated: 2023-10-04. Review status: criteria provided, single submitter. Criteria: Invitae Variant Classification Sherloc (09022015). Collection method: clinical testing. Allele origin: germline.
Comment: This sequence change creates a premature translational stop signal (p.Ser15Leufs*5) in the ASNS gene. It is expected to result in an absent or disrupted protein product. Loss-of-function variants in ASNS are known to be pathogenic (PMID: 27422383, 30057589). This variant is not present in population databases (gnomAD no frequency). This variant has not been reported in the literature in individuals affected with ASNS-related conditions. Algorithms developed to predict the effect of sequence changes on RNA splicing suggest that this variant may disrupt the consensus splice site. For these reasons, this variant has been classified as Pathogenic.

Literature cited by the submitters: PubMed 27422383; PubMed 30057589.

NM_001673.5(ASNS):c.43del (p.Ser15fs)

Genes: ASNS (asparagine synthetase (glutamine-hydrolyzing); minus strand), CZ1P-ASNS (CZ1P-ASNS readthrough; minus strand). Cytogenetic location: 7q21.3.
Variant type: Deletion.
Coding change: c.43del on transcript NM_001673.5 (MANE Select); coding-DNA position 43, one base deleted (T; older notation c.43delT).
Protein change: p.Ser15fs; shifts the reading frame from serine 15.
Molecular consequence: frameshift variant. On other transcripts: non-coding transcript variant (1), intron variant (3).
Genome position (GRCh38, 1-based): chr7:97,869,114, A deleted on the plus strand (T on the coding strand, the reverse complement: ASNS is on the minus strand); the first of 3 consecutive A bases (chr7:97,869,114-97,869,116); deleting any one gives the same sequence. VCF-style (leftmost placement, unchanged base first): chr7-97869113-GA-G. GRCh37 (hg19) VCF-style: chr7-97498425-GA-G.
Other names: c.43del, p.Ser15fs (NM_001352496.2, NM_133436.3, NM_183356.4); c.-1+3237del (NM_001178076.2); c.-12-9del (NM_001178075.2); c.-1+2927del (NM_001178077.1); short protein forms S15fs.
Identifiers: ClinVar variation 3009102 (VCV003009102.3), dbSNP rs2484698591, ClinGen allele CA2578946990.